The following is an entry in ClinVar:

NC_000001.11:g.(?_5978270)_(5978413_?)del

Gene: NPHP4 (nephrocystin 4; minus strand). Cytogenetic location: 1p36.31.
Variant type: Deletion.
Identifiers: ClinVar variation 831894 (VCV000831894.2).

ClinVar aggregate classification (germline): Uncertain significance (1 of 4 stars; one submission).

Conditions:
Nephronophthisis. Also called: Juvenile Nephronophthisis. Identifiers: Orphanet 655, MedGen C0687120, MONDO:0019005, HP:0000090.

Submission:

Labcorp Genetics (formerly Invitae), Labcorp
Classification: Uncertain significance for Nephronophthisis. Last evaluated: 2019-11-08. Review status: criteria provided, single submitter. Criteria: Invitae Variant Classification Sherloc (09022015). Collection method: clinical testing. Allele origin: germline.
Comment: This variant is an in-frame deletion of the genomic region encompassing exon 3 of the NPHP4 gene. It preserves the integrity of the reading frame. This variant has not been reported in the literature in individuals with NPHP4-related conditions. Experimental studies and prediction algorithms are not available or were not evaluated for this variant, and the functional significance of this variant is currently unknown. In summary, the available evidence is currently insufficient to determine the role of this variant in disease. Therefore, it has been classified as a Variant of Uncertain Significance.